The following is an entry in ClinVar:

NM_020458.4(TTC7A):c.692C>T (p.Pro231Leu)

Gene: TTC7A (tetratricopeptide repeat domain 7A; plus strand). Cytogenetic location: 2p21.
Variant type: single nucleotide variant.
Coding change: c.692C>T on transcript NM_020458.4 (MANE Select); coding-DNA position 692, C replaced by T.
Protein change: p.Pro231Leu; replaces proline 231 with leucine.
Molecular consequence: missense variant. On other transcripts: 5 prime UTR variant (1).
Genome position (GRCh38, 1-based): chr2:46,978,835, C>T. VCF-style: chr2-46978835-C-T. GRCh37 (hg19) VCF-style: chr2-47205974-C-T.
Other names: c.692C>T (NM_020458.2); c.692C>T, p.Pro231Leu (NM_001288951.2); c.590C>T, p.Pro197Leu (NM_001288953.2); c.-213C>T (NM_001288955.2); short protein forms P197L, P231L.
Identifiers: ClinVar variation 849014 (VCV000849014.8), dbSNP rs367648748, ClinGen allele CA1647314.
Genomic context (GRCh38, chr2:46,978,835, plus strand): 5'-TCTGTTTCCCTTCCCAGACCACAAATAACAGCACGTCGAGGCATCTGAAAGGCTGTCACC[C>T]GCTTGACTATGAGCTCACCTACTTCCTGGAAGCTGCCCTCCAGAGCGCCTATGTGAAAAA-3'
Protein context (NP_065191.2, residues 221-241): STSRHLKGCH[Pro231Leu]LDYELTYFLE

ClinVar aggregate classification (germline): Uncertain significance. Review status: criteria provided, multiple submitters, no conflicts (2 of 4 stars). 2 submissions from 2 submitters: Uncertain significance (2). Last evaluated 2024-12-16.

Conditions:
Inborn genetic diseases. Identifiers: MedGen C0950123, MeSH D030342.
Multiple gastrointestinal atresias. Also called: Multiple intestinal atresia; FAMILIAL INTESTINAL POLYATRESIA SYNDROME. Identifiers: Orphanet 2300, MedGen C0220744, MONDO:0009465.

Allele frequency attached by ClinVar (database versions not stated): ExAC 0.00002; gnomAD exomes 0.00002; gnomAD 0.00009; TOPMed 0.00013; ESP Exome Variant Server 0.00015.
gnomAD v4.1: 44 of 1,614,068 alleles (0.0027%); highest among the groups gnomAD compares: African/African-American, 0.025%; 1 homozygote.

Submissions (2):

Labcorp Genetics (formerly Invitae), Labcorp
Classification: Uncertain significance for Multiple gastrointestinal atresias. Last evaluated: 2024-12-16. Review status: criteria provided, single submitter. Criteria: Invitae Variant Classification Sherloc (09022015). Collection method: clinical testing. Allele origin: germline.
Comment: This sequence change replaces proline, which is neutral and non-polar, with leucine, which is neutral and non-polar, at codon 231 of the TTC7A protein (p.Pro231Leu). This variant is present in population databases (rs367648748, gnomAD 0.01%). This variant has not been reported in the literature in individuals affected with TTC7A-related conditions. ClinVar contains an entry for this variant (Variation ID: 849014). Invitae Evidence Modeling of protein sequence and biophysical properties (such as structural, functional, and spatial information, amino acid conservation, physicochemical variation, residue mobility, and thermodynamic stability) indicates that this missense variant is not expected to disrupt TTC7A protein function with a negative predictive value of 80%. In summary, the available evidence is currently insufficient to determine the role of this variant in disease. Therefore, it has been classified as a Variant of Uncertain Significance.

Ambry Genetics
Classification: Uncertain significance for Inborn genetic diseases. Last evaluated: 2024-04-04. Review status: criteria provided, single submitter. Criteria: Ambry Variant Classification Scheme 2023. Collection method: clinical testing. Allele origin: germline.